The following is an entry in ClinVar:

NM_001330311.2(DVL1):c.825C>T (p.Asp275=)

Gene: DVL1 (dishevelled segment polarity protein 1; minus strand). Cytogenetic location: 1p36.33.
Variant type: single nucleotide variant.
Coding change: c.825C>T on transcript NM_001330311.2 (MANE Select); coding-DNA position 825, C replaced by T.
Protein change: p.Asp275=; no amino-acid change (aspartic acid 275 retained).
Molecular consequence: synonymous variant.
Genome position (GRCh38, 1-based): chr1:1,340,122, G>A on the plus strand (C>T on the coding strand, the complement: DVL1 is on the minus strand). VCF-style: chr1-1340122-G-A. GRCh37 (hg19) VCF-style: chr1-1275502-G-A.
Other names: c.825C>T, p.Asp275= (NM_004421.3).
Identifiers: ClinVar variation 3042235 (VCV003042235.4), dbSNP rs773927987, ClinGen allele CA520395.

ClinVar aggregate classification (germline): Likely benign. Review status: criteria provided, single submitter (1 of 4 stars). 2 submissions from 2 submitters: Likely benign (1). 1 of the submissions does not count toward it. Last evaluated 2025-12-15.

Conditions:
DVL1-related disorder. Also called: DVL1-related condition.

Allele frequency attached by ClinVar (database versions not stated): gnomAD 0.00002; TOPMed 0.00002; ExAC 0.00003.
gnomAD v4.1: 34 of 1,613,198 alleles (0.0021%); highest among the groups gnomAD compares: East Asian, 0.0089%; no homozygotes.

Submissions (2):

Labcorp Genetics (formerly Invitae), Labcorp
Classification: Likely benign. Last evaluated: 2025-12-15. Review status: criteria provided, single submitter. Criteria: Invitae Variant Classification Sherloc (09022015). Collection method: clinical testing. Allele origin: germline.

PreventionGenetics, part of Exact Sciences
Classification: Likely benign for DVL1-related condition. Last evaluated: 2019-05-10. Review status: no assertion criteria provided. Collection method: clinical testing. Allele origin: germline. Not counted in ClinVar's aggregate classification.
Comment: This variant is classified as likely benign based on ACMG/AMP sequence variant interpretation guidelines (Richards et al. 2015 PMID: 25741868, with internal and published modifications).